The following is an entry in ClinVar:

ClinVar aggregate classification (germline): Pathogenic (1 of 4 stars; one submission).

Conditions:
Cardiovascular phenotype. Identifiers: MedGen CN230736.

Submission:

Ambry Genetics
Classification: Pathogenic for Cardiovascular phenotype. Last evaluated: 2022-09-08. Review status: criteria provided, single submitter. Criteria: Ambry Variant Classification Scheme 2023. Collection method: clinical testing. Allele origin: germline.
Comment: The p.Y1382* pathogenic mutation (also known as c.4146C>A), located in coding exon 8 of the ALMS1 gene, results from a C to A substitution at nucleotide position 4146. This changes the amino acid from a tyrosine to a stop codon within coding exon 8. This variant is considered to be rare based on population cohorts in the Genome Aggregation Database (gnomAD). This alteration is expected to result in loss of function by premature protein truncation or nonsense-mediated mRNA decay. As such, this alteration is interpreted as a disease-causing mutation.

NM_001378454.1(ALMS1):c.4143C>A (p.Tyr1381Ter)

Gene: ALMS1 (ALMS1 centrosome and basal body associated protein; plus strand). Cytogenetic location: 2p13.1.
Variant type: single nucleotide variant.
Coding change: c.4143C>A on transcript NM_001378454.1 (MANE Select); coding-DNA position 4143, C replaced by A.
Protein change: p.Tyr1381Ter; replaces tyrosine 1381 with a stop codon.
Molecular consequence: nonsense.
Genome position (GRCh38, 1-based): chr2:73,450,670, C>A. VCF-style: chr2-73450670-C-A. GRCh37 (hg19) VCF-style: chr2-73677797-C-A.
Other names: c.4146C>A, p.Tyr1382Ter (NM_015120.4); short protein forms Y1382*, Y1381*.
Identifiers: ClinVar variation 1738203 (VCV001738203.2), dbSNP rs955424750, ClinGen allele CA347277543.
Genomic context (GRCh38, chr2:73,450,670, plus strand): 5'-AGTTGCCTCTGAACCAGTTGACCAGACAACTGGCACACCAACTGTAACCTCTACTTCTTA[C>A]TCACAACATACAGAGAAGCCGAGTATTTTCTACCAACAGTCGTTGCCAGGTAGTCATCTA-3'